The following is an entry in ClinVar:

ClinVar aggregate classification (germline): Uncertain significance (1 of 4 stars; one submission).

Submission:

Labcorp Genetics (formerly Invitae), Labcorp
Classification: Uncertain significance. Last evaluated: 2024-11-27. Review status: criteria provided, single submitter. Criteria: Invitae Variant Classification Sherloc (09022015). Collection method: clinical testing. Allele origin: germline.
Comment: This sequence change replaces methionine, which is neutral and non-polar, with valine, which is neutral and non-polar, at codon 621 of the TNNI3K protein (p.Met621Val). This variant is not present in population databases (gnomAD no frequency). This variant has not been reported in the literature in individuals affected with TNNI3K-related conditions. An algorithm developed to predict the effect of missense changes on protein structure and function (PolyPhen-2) suggests that this variant is likely to be tolerated. In summary, the available evidence is currently insufficient to determine the role of this variant in disease. Therefore, it has been classified as a Variant of Uncertain Significance.

NM_015978.3(TNNI3K):c.1861A>G (p.Met621Val)

Genes: TNNI3K (TNNI3 interacting kinase; plus strand), FPGT-TNNI3K (FPGT-TNNI3K readthrough; plus strand). Cytogenetic location: 1p31.1.
Variant type: single nucleotide variant.
Coding change: c.1861A>G on transcript NM_015978.3 (MANE Select); coding-DNA position 1861, A replaced by G.
Protein change: p.Met621Val; replaces methionine 621 with valine.
Molecular consequence: missense variant.
Genome position (GRCh38, 1-based): chr1:74,436,509, A>G. VCF-style: chr1-74436509-A-G. GRCh37 (hg19) VCF-style: chr1-74902193-A-G.
Other names: c.2164A>G, p.Met722Val (NM_001112808.3, NM_001199327.2); short protein forms M621V, M722V.
Identifiers: ClinVar variation 3686422 (VCV003686422.2).
Genomic context (GRCh38, chr1:74,436,509, plus strand): 5'-GTGATTTATTTTCTCTTTCCCTCAGAATCAAGATTTCTACAGTCTCTGGATGAAGACAAC[A>G]TGACAAAACAACCTGGGGTTTGCTGCTGCTTGTGTTTCCTATAATTATAAACCAATTAAA-3'
Protein context (NP_057062.1, residues 611-631): RFLQSLDEDN[Met621Val]TKQPGNLRWM